The following is an entry in ClinVar:

ClinVar aggregate classification (germline): Uncertain significance (1 of 4 stars; one submission).

Allele frequency attached by ClinVar (database versions not stated): gnomAD exomes below 0.00001 and 0.00001; TOPMed below 0.00001.
gnomAD v4.1: 2 of 1,614,234 alleles (0.00012%); highest among the groups gnomAD compares: Admixed American, 0.0033%; no homozygotes.

Submission:

GeneDx
Classification: Uncertain significance. Last evaluated: 2019-07-11. Review status: criteria provided, single submitter. Criteria: GeneDx Variant Classification Process June 2021. Collection method: clinical testing. Allele origin: germline. Affected: yes.
Comment: In silico analysis, which includes protein predictors and evolutionary conservation, supports that this variant does not alter protein structure/function; Has not been previously published as pathogenic or benign to our knowledge

NM_005422.4(TECTA):c.5731G>C (p.Val1911Leu)

Genes: TBCEL-TECTA (TBCEL-TECTA readthrough; plus strand), TECTA (tectorin alpha; plus strand). Cytogenetic location: 11q23.3.
Variant type: single nucleotide variant.
Coding change: c.5731G>C on transcript NM_005422.4 (MANE Select); coding-DNA position 5731, G replaced by C.
Protein change: p.Val1911Leu; replaces valine 1911 with leucine.
Molecular consequence: missense variant.
Genome position (GRCh38, 1-based): chr11:121,168,198, G>C. VCF-style: chr11-121168198-G-C. GRCh37 (hg19) VCF-style: chr11-121038907-G-C.
Other names: c.6673G>C, p.Val2225Leu (NM_001378761.1); short protein forms V1911L, V2225L.
Identifiers: ClinVar variation 1306922 (VCV001306922.2), dbSNP rs1322936665, ClinGen allele CA383035695.